The following is an entry in ClinVar:

ClinVar aggregate classification (germline): Likely benign (0 of 4 stars; one submission).

Conditions:
C19orf12-related disorder. Also called: C19orf12-related condition.

Submission:

PreventionGenetics, part of Exact Sciences
Classification: Likely benign for C19orf12-related condition. Last evaluated: 2022-05-20. Review status: no assertion criteria provided. Collection method: clinical testing. Allele origin: germline.
Comment: This variant is classified as likely benign based on ACMG/AMP sequence variant interpretation guidelines (Richards et al. 2015 PMID: 25741868, with internal and published modifications).

NM_031448.6(C19orf12):c.6T>C (p.Thr2=)

Gene: C19orf12 (chromosome 19 open reading frame 12; minus strand). Cytogenetic location: 19q12.
Variant type: single nucleotide variant.
Coding change: c.6T>C on transcript NM_031448.6 (MANE Select); coding-DNA position 6, T replaced by C.
Protein change: p.Thr2=; no amino-acid change (threonine 2 retained).
Molecular consequence: synonymous variant. On other transcripts: 5 prime UTR variant (1), intron variant (2).
Genome position (GRCh38, 1-based): chr19:29,708,408, A>G on the plus strand (T>C on the coding strand, the complement: C19orf12 is on the minus strand). VCF-style: chr19-29708408-A-G. GRCh37 (hg19) VCF-style: chr19-30199315-A-G.
Other names: c.6T>C, p.Thr2= (NM_001031726.4, NM_001256046.3, NM_001256047.2); c.-308T>C (NM_001282931.3); c.-32-5431T>C (NM_001282929.1, NM_001282930.3).
Identifiers: ClinVar variation 3030220 (VCV003030220.2), dbSNP rs2526565375, ClinGen allele CA506640845.
Genomic context (GRCh38, chr19:29,708,408, plus strand): 5'-CTTCATCTTCCTCTCCCCAGAAAGGGAGCACAGCAGCTTCATGATGTCCTCCACCATGAT[A>G]GTCATCGTGGCGGGCCTTCGAGGGAGAAGTTCAGAGGGACAGTTTCAATGAGCATAAGAG-3'
Protein context (NP_113636.2, residues 1-12): M[Thr2=]IMVEDIMKLL